The following is an entry in ClinVar:

NM_001127198.5(TMC6):c.274C>T (p.Arg92Cys)

Gene: TMC6 (transmembrane channel like 6; minus strand). Cytogenetic location: 17q25.3.
Variant type: single nucleotide variant.
Coding change: c.274C>T on transcript NM_001127198.5 (MANE Select); coding-DNA position 274, C replaced by T.
Protein change: p.Arg92Cys; replaces arginine 92 with cysteine.
Molecular consequence: missense variant.
Genome position (GRCh38, 1-based): chr17:78,125,882, G>A on the plus strand (C>T on the coding strand, the complement: TMC6 is on the minus strand). VCF-style: chr17-78125882-G-A. GRCh37 (hg19) VCF-style: chr17-76121963-G-A.
Other names: c.274C>T, p.Arg92Cys (NM_001321185.1, NM_001374593.1, NM_001374594.1 and 4 more transcripts); c.274C>T (NM_007267.6); short protein forms R92C.
Identifiers: ClinVar variation 937356 (VCV000937356.6), dbSNP rs1052987266, ClinGen allele CA294356355.

ClinVar aggregate classification (germline): Uncertain significance. Review status: criteria provided, multiple submitters, no conflicts (2 of 4 stars). 2 submissions from 2 submitters: Uncertain significance (2). Last evaluated 2022-06-27.

Conditions:
Epidermodysplasia verruciformis. Identifiers: Orphanet 302, MedGen C0014522, MONDO:0009176.
Inborn genetic diseases. Identifiers: MedGen C0950123, MeSH D030342.

Allele frequency attached by ClinVar (database versions not stated): gnomAD exomes 0.00007 and 0.00011; TOPMed 0.00008; gnomAD 0.00011.

Submissions (2):

Labcorp Genetics (formerly Invitae), Labcorp
Classification: Uncertain significance for Epidermodysplasia verruciformis. Last evaluated: 2022-06-27. Review status: criteria provided, single submitter. Criteria: Invitae Variant Classification Sherloc (09022015). Collection method: clinical testing. Allele origin: germline.
Comment: This sequence change replaces arginine with cysteine at codon 92 of the TMC6 protein (p.Arg92Cys). The arginine residue is weakly conserved and there is a large physicochemical difference between arginine and cysteine. This variant is present in population databases (no rsID available, gnomAD 0.02%). This variant has not been reported in the literature in individuals affected with TMC6-related conditions. ClinVar contains an entry for this variant (Variation ID: 937356). Algorithms developed to predict the effect of missense changes on protein structure and function are either unavailable or do not agree on the potential impact of this missense change (SIFT: "Not Available"; PolyPhen-2: "Possibly Damaging"; Align-GVGD: "Not Available"). In summary, the available evidence is currently insufficient to determine the role of this variant in disease. Therefore, it has been classified as a Variant of Uncertain Significance.

Ambry Genetics
Classification: Uncertain significance for Inborn genetic diseases. Last evaluated: 2021-10-22. Review status: criteria provided, single submitter. Criteria: Ambry Variant Classification Scheme 2023. Collection method: clinical testing. Allele origin: germline.